The following is an entry in ClinVar:

NM_020812.4(DOCK6):c.3079C>T (p.Arg1027Trp)

Gene: DOCK6 (dedicator of cytokinesis 6; minus strand). Cytogenetic location: 19p13.2.
Variant type: single nucleotide variant.
Coding change: c.3079C>T on transcript NM_020812.4 (MANE Select); coding-DNA position 3079, C replaced by T.
Protein change: p.Arg1027Trp; replaces arginine 1027 with tryptophan.
Molecular consequence: missense variant.
Genome position (GRCh38, 1-based): chr19:11,222,896, G>A on the plus strand (C>T on the coding strand, the complement: DOCK6 is on the minus strand). VCF-style: chr19-11222896-G-A. GRCh37 (hg19) VCF-style: chr19-11333572-G-A.
Other names: c.3184C>T, p.Arg1062Trp (NM_001367830.1); short protein forms R1027W, R1062W.
Identifiers: ClinVar variation 1903105 (VCV001903105.5), dbSNP rs780826744, ClinGen allele CA9207359.

ClinVar aggregate classification (germline): Uncertain significance (1 of 4 stars; one submission).

Allele frequency attached by ClinVar (database versions not stated): gnomAD 0.00003; ExAC 0.00004.
gnomAD v4.1: 31 of 1,608,890 alleles (0.0019%); highest among the groups gnomAD compares: South Asian, 0.01%; no homozygotes.

Submission:

Labcorp Genetics (formerly Invitae), Labcorp
Classification: Uncertain significance. Last evaluated: 2024-09-09. Review status: criteria provided, single submitter. Criteria: Invitae Variant Classification Sherloc (09022015). Collection method: clinical testing. Allele origin: germline.
Comment: This sequence change replaces arginine, which is basic and polar, with tryptophan, which is neutral and slightly polar, at codon 1027 of the DOCK6 protein (p.Arg1027Trp). The frequency data for this variant in the population databases is considered unreliable, as metrics indicate poor data quality at this position in the gnomAD database. This variant has not been reported in the literature in individuals affected with DOCK6-related conditions. ClinVar contains an entry for this variant (Variation ID: 1903105). Invitae Evidence Modeling of protein sequence and biophysical properties (such as structural, functional, and spatial information, amino acid conservation, physicochemical variation, residue mobility, and thermodynamic stability) has been performed for this missense variant. However, the output from this modeling did not meet the statistical confidence thresholds required to predict the impact of this variant on DOCK6 protein function. In summary, the available evidence is currently insufficient to determine the role of this variant in disease. Therefore, it has been classified as a Variant of Uncertain Significance.